The following is an entry in ClinVar:

NM_001378743.1(CYLD):c.1920G>A (p.Leu640=)

Genes: CYLD-AS2 (CYLD antisense RNA 2; minus strand), CYLD (CYLD lysine 63 deubiquitinase; plus strand). Cytogenetic location: 16q12.1.
Variant type: single nucleotide variant.
Coding change: c.1920G>A on transcript NM_001378743.1 (MANE Select); coding-DNA position 1920, G replaced by A.
Protein change: p.Leu640=; no amino-acid change (leucine 640 retained).
Molecular consequence: synonymous variant. On other transcripts: non-coding transcript variant (1).
Genome position (GRCh38, 1-based): chr16:50,784,422, G>A. VCF-style: chr16-50784422-G-A. GRCh37 (hg19) VCF-style: chr16-50818333-G-A.
Other names: c.1911G>A, p.Leu637= (NM_001042355.2, NM_001042412.3, NM_001378744.1 and 6 more transcripts); c.1881G>A, p.Leu627= (NM_001378751.1, NM_001378752.1, NM_001378753.1); c.1245G>A, p.Leu415= (NM_001378754.1, NM_001378755.1); c.1920G>A, p.Leu640= (NM_015247.3).
Identifiers: ClinVar variation 733826 (VCV000733826.4), dbSNP rs182210792, ClinGen allele CA8052484.
Genomic context (GRCh38, chr16:50,784,422, plus strand): 5'-GTTACTTAGACCCAAAGAAAAGAACGATGTAGAATATTATAGTGAAACCCAAGAGCTACT[G>A]AGGACAGAAATTGTTAATCCTCTGAGAATGTAAGTAGAAAACAAATTGCTATTTTGCCTT-3'
Protein context (NP_001365672.1, residues 630-650): VEYYSETQEL[Leu640=]RTEIVNPLRI

ClinVar aggregate classification (germline): Likely benign. Review status: criteria provided, multiple submitters, no conflicts (2 of 4 stars). 2 submissions from 2 submitters: Likely benign (2). Last evaluated 2025-04-12.

Conditions:
CYLD-related disorder. Also called: CYLD-related condition.

Allele frequency attached by ClinVar (database versions not stated): gnomAD exomes 0.00001 and 0.00004; ExAC 0.00004; gnomAD 0.00018 and 0.00019; TOPMed 0.00047; 1000 Genomes Project 30x 0.00094; 1000 Genomes Project 0.00100.
gnomAD v4.1: 50 of 1,613,370 alleles (0.0031%); highest among the groups gnomAD compares: Admixed American, 0.065%; no homozygotes.

Submissions (2):

PreventionGenetics, part of Exact Sciences
Classification: Likely benign for CYLD-related condition. Last evaluated: 2025-04-12. Review status: criteria provided, single submitter. Criteria: ACMG Guidelines, 2015. Collection method: clinical testing. Allele origin: germline.
Comment: This variant is classified as likely benign based on ACMG/AMP sequence variant interpretation guidelines (Richards et al. 2015 PMID: 25741868, with internal and published modifications).

Labcorp Genetics (formerly Invitae), Labcorp
Classification: Likely benign. Last evaluated: 2018-08-15. Review status: criteria provided, single submitter. Criteria: Invitae Variant Classification Sherloc (09022015). Collection method: clinical testing. Allele origin: germline.